The following is an entry in ClinVar:

NM_145649.5(GCNT2):c.*671C>T

Gene: GCNT2 (glucosaminyl (N-acetyl) transferase 2 (I blood group); plus strand). Cytogenetic location: 6p24.2.
Variant type: single nucleotide variant.
Coding change: c.*671C>T on transcript NM_145649.5 (MANE Select); 671 bases downstream of the stop codon, C replaced by T.
Molecular consequence: 3 prime UTR variant.
Genome position (GRCh38, 1-based): chr6:10,627,278, C>T. VCF-style: chr6-10627278-C-T. GRCh37 (hg19) VCF-style: chr6-10627511-C-T.
Other names: c.*671C>T (NM_001374747.1, NM_001491.3, NM_145655.4).
Identifiers: ClinVar variation 354720 (VCV000354720.5), dbSNP rs6938748, ClinGen allele CA10622522.

ClinVar aggregate classification (germline): Benign (1 of 4 stars; one submission).

Conditions:
Blood group, I system (Ii). Identifiers: MedGen C0020717, OMIM 110800.

Allele frequency attached by ClinVar (database versions not stated): gnomAD 0.03794 and 0.04080; 1000 Genomes Project 0.04034; 1000 Genomes Project 30x 0.04076; TOPMed 0.04289.

Submission:

Illumina Laboratory Services, Illumina
Classification: Benign for Blood group, I system. Last evaluated: 2018-01-12. Review status: criteria provided, single submitter. Criteria: ICSL Variant Classification Criteria 13 December 2019. Collection method: clinical testing. Allele origin: germline.
Comment: This variant was observed in the ICSL laboratory as part of a predisposition screen in an ostensibly healthy population. It had not been previously curated by ICSL or reported in the Human Gene Mutation Database (HGMD: prior to June 1st, 2018), and was therefore a candidate for classification through an automated scoring system. Utilizing variant allele frequency, disease prevalence and penetrance estimates, and inheritance mode, an automated score was calculated to assess if this variant is too frequent to cause the disease. Based on the score and internal cut-off values, a variant classified as benign is not then subjected to further curation. The score for this variant resulted in a classification of benign for this disease.